The following is an entry in ClinVar:

NM_178822.5(IGSF10):c.227A>G (p.Asp76Gly)

Gene: IGSF10 (immunoglobulin superfamily member 10; minus strand). Cytogenetic location: 3q25.1.
Variant type: single nucleotide variant.
Coding change: c.227A>G on transcript NM_178822.5 (MANE Select); coding-DNA position 227, A replaced by G.
Protein change: p.Asp76Gly; replaces aspartic acid 76 with glycine.
Molecular consequence: missense variant.
Genome position (GRCh38, 1-based): chr3:151,457,123, T>C on the plus strand (A>G on the coding strand, the complement: IGSF10 is on the minus strand). VCF-style: chr3-151457123-T-C. GRCh37 (hg19) VCF-style: chr3-151174911-T-C.
Other names: c.227A>G, p.Asp76Gly (NM_001385060.1, NM_001385061.1, NM_001385062.1 and 1 more transcripts); short protein forms D76G.
Identifiers: ClinVar variation 3676179 (VCV003676179.2).
Genomic context (GRCh38, chr3:151,457,123, plus strand): 5'-ATTGTGTGAATGCCATTGCTGTGAAGCATGAGTAACTCCAGTTTGGTCAGGCCAGAAAAA[T>C]CTGTTTCCATCAATCTAACCAAGCTGTTGTATCTGAAATAAAAAATGACATTCTAGGCAT-3'
Protein context (NP_849144.2, residues 66-86): YNSLVRLMET[Asp76Gly]FSGLTKLELL

ClinVar aggregate classification (germline): Uncertain significance (1 of 4 stars; one submission).

gnomAD v4.1: 1 of 1,614,036 alleles (0.000062%); highest among the groups gnomAD compares: Non-Finnish European, 0.000085%; no homozygotes.

Submission:

Labcorp Genetics (formerly Invitae), Labcorp
Classification: Uncertain significance. Last evaluated: 2024-05-01. Review status: criteria provided, single submitter. Criteria: Invitae Variant Classification Sherloc (09022015). Collection method: clinical testing. Allele origin: germline.
Comment: This sequence change replaces aspartic acid, which is acidic and polar, with glycine, which is neutral and non-polar, at codon 76 of the IGSF10 protein (p.Asp76Gly). This variant is present in population databases (rs753813780, gnomAD 0.0009%). This variant has not been reported in the literature in individuals affected with IGSF10-related conditions. An algorithm developed to predict the effect of missense changes on protein structure and function (PolyPhen-2) suggests that this variant is likely to be disruptive. In summary, the available evidence is currently insufficient to determine the role of this variant in disease. Therefore, it has been classified as a Variant of Uncertain Significance.